The following is an entry in ClinVar:

NM_030662.4(MAP2K2):c.143A>G (p.Glu48Gly)

Gene: MAP2K2 (mitogen-activated protein kinase kinase 2; minus strand). Cytogenetic location: 19p13.3.
Variant type: single nucleotide variant.
Coding change: c.143A>G on transcript NM_030662.4 (MANE Select); coding-DNA position 143, A replaced by G.
Protein change: p.Glu48Gly; replaces glutamic acid 48 with glycine.
Molecular consequence: missense variant.
Genome position (GRCh38, 1-based): chr19:4,117,579, T>C on the plus strand (A>G on the coding strand, the complement: MAP2K2 is on the minus strand). VCF-style: chr19-4117579-T-C. GRCh37 (hg19) VCF-style: chr19-4117577-T-C.
Other names: short protein forms E48G.
Identifiers: ClinVar variation 418571 (VCV000418571.5), dbSNP rs1064793306, ClinGen allele CA16620852.

ClinVar aggregate classification (germline): Uncertain significance. Review status: criteria provided, multiple submitters, no conflicts (2 of 4 stars). 3 submissions from 3 submitters: Uncertain significance (3). Last evaluated 2024-12-12.

Conditions:
RASopathy. Also called: rasopathies; Noonan spectrum disorder. Identifiers: Orphanet 536391, MedGen C5555857, MONDO:0021060.

Allele frequency attached by ClinVar (database versions not stated): gnomAD exomes below 0.00001; gnomAD 0.00001; TOPMed 0.00001.
gnomAD v4.1: 2 of 1,614,070 alleles (0.00012%); highest among the groups gnomAD compares: Non-Finnish European, 0.00017%; no homozygotes.

Submissions (3):

Labcorp Genetics (formerly Invitae), Labcorp
Classification: Uncertain significance for RASopathy. Last evaluated: 2024-12-12. Review status: criteria provided, single submitter. Criteria: Invitae Variant Classification Sherloc (09022015). Collection method: clinical testing. Allele origin: germline.
Comment: This sequence change replaces glutamic acid, which is acidic and polar, with glycine, which is neutral and non-polar, at codon 48 of the MAP2K2 protein (p.Glu48Gly). This variant is not present in population databases (gnomAD no frequency). This variant has not been reported in the literature in individuals affected with MAP2K2-related conditions. ClinVar contains an entry for this variant (Variation ID: 418571). Invitae Evidence Modeling of protein sequence and biophysical properties (such as structural, functional, and spatial information, amino acid conservation, physicochemical variation, residue mobility, and thermodynamic stability) indicates that this missense variant is expected to disrupt MAP2K2 protein function with a positive predictive value of 80%. In summary, the available evidence is currently insufficient to determine the role of this variant in disease. Therefore, it has been classified as a Variant of Uncertain Significance.

AiLife Diagnostics
Classification: Uncertain significance. Last evaluated: 2021-12-27. Review status: criteria provided, single submitter. Criteria: ACMG Guidelines, 2015. Collection method: clinical testing. Allele origin: germline. Affected: yes. Observed: 1 variant allele.

GeneDx
Classification: Uncertain significance. Last evaluated: 2018-09-25. Review status: criteria provided, single submitter. Criteria: GeneDx Variant Classification (06012015). Collection method: clinical testing. Allele origin: germline. Affected: yes.
Comment: The E48G variant has not been published as a pathogenic variant, nor has it been reported as a benign variant to our knowledge. The variant is not observed in large population cohorts (Lek et al., 2016; 1000 Genomes Consortium et al., 2015; Exome Variant Server). E48G is a non-conservative amino acid substitution, which is likely to impact secondary protein structure as these residues differ in polarity, charge, size and/or other properties. This substitution occurs at a position that is conserved across species, and in silico analysis predicts this variant is probably damaging to the protein structure/function. In summary, based on the currently available information, it is unclear whether this variant is a pathogenic variant or a rare benign variant.